The following is an entry in ClinVar:

NM_015488.5(PNKD):c.693del (p.Gly232fs)

Genes: PNKD (PNKD metallo-beta-lactamase domain containing; plus strand), CATIP-AS2 (CATIP antisense RNA 2; minus strand). Cytogenetic location: 2q35.
Variant type: Deletion.
Coding change: c.693del on transcript NM_015488.5 (MANE Select); coding-DNA position 693, one base deleted (A; older notation c.693delA).
Protein change: p.Gly232fs; shifts the reading frame from glycine 232.
Molecular consequence: frameshift variant.
Genome position (GRCh38, 1-based): chr2:218,342,056, A deleted; the last of 2 consecutive A bases (chr2:218,342,055-218,342,056); deleting either gives the same sequence. VCF-style (leftmost placement, unchanged base first): chr2-218342054-CA-C. GRCh37 (hg19) VCF-style: chr2-219206777-CA-C.
Other names: c.693del (NM_015488.4); c.621delA, p.Gly208Alafs (NM_022572.5); short protein forms G208fs, G232fs.
Identifiers: ClinVar variation 662584 (VCV000662584.8), dbSNP rs773192502, ClinGen allele CA2104062.
Genomic context (GRCh38, chr2:218,342,054, plus strand): 5'-CAAGATGTGGTCAGCGTGGGACGGCTTCAGATCCGGGCCCTGGCTACACCTGGCCACACA[CA>C]AGGCCATCTGGTCTACCTACTGGATGGGGAGCCCTACAAGGGTCCCTCCTGCCTCTTCTC-3'

ClinVar aggregate classification (germline): Uncertain significance (1 of 4 stars; one submission).

Conditions:
Paroxysmal nonkinesigenic dyskinesia. Also called: Paroxysmal non-kinesigenic dyskinesia. Identifiers: Orphanet 98810, MedGen C1869117, MONDO:0700088.

Submission:

Labcorp Genetics (formerly Invitae), Labcorp
Classification: Uncertain significance for Paroxysmal nonkinesigenic dyskinesia. Last evaluated: 2021-11-25. Review status: criteria provided, single submitter. Criteria: Invitae Variant Classification Sherloc (09022015). Collection method: clinical testing. Allele origin: germline.
Comment: This sequence change creates a premature translational stop signal (p.Gly232Alafs*41) in the PNKD gene. It is expected to result in an absent or disrupted protein product. However, the current clinical and genetic evidence is not sufficient to establish whether loss-of-function variants in PNKD cause disease. In summary, the available evidence is currently insufficient to determine the role of this variant in disease. Therefore, it has been classified as a Variant of Uncertain Significance. ClinVar contains an entry for this variant (Variation ID: 662584). This variant has not been reported in the literature in individuals affected with PNKD-related conditions. This variant is present in population databases (rs773192502, gnomAD 0.004%).